The following is an entry in ClinVar:

NM_001386298.1(CIC):c.1929C>T (p.Asn643=)

Gene: CIC (capicua transcriptional repressor; plus strand). Cytogenetic location: 19q13.2.
Variant type: single nucleotide variant.
Coding change: c.1929C>T on transcript NM_001386298.1 (MANE Select); coding-DNA position 1929, C replaced by T.
Protein change: p.Asn643=; no amino-acid change (asparagine 643 retained).
Molecular consequence: synonymous variant.
Genome position (GRCh38, 1-based): chr19:42,273,712, C>T. VCF-style: chr19-42273712-C-T. GRCh37 (hg19) VCF-style: chr19-42777864-C-T.
Other names: c.1929C>T, p.Asn643= (NM_001379482.1, NM_001439183.1, NM_001439184.1 and 6 more transcripts).
Identifiers: ClinVar variation 4822311 (VCV004822311.4).
Genomic context (GRCh38, chr19:42,273,712, plus strand): 5'-GCCCTTCTCGCCAGCCCCATCACCCTCACCCTCACCACTCTTCGGCTTCCGCCCTGCCAA[C>T]TTTAGCCCCATCAATGCCTCACCAGTCATCCAGCGCACTGCAGTCCGCAGTCGCCACCTG-3'
Protein context (NP_001373227.1, residues 633-653): PSPLFGFRPA[Asn643=]FSPINASPVI

ClinVar aggregate classification (germline): Likely benign (1 of 4 stars; one submission).

gnomAD v4.1: 3 of 398,812 alleles (0.00075%); highest among the groups gnomAD compares: Admixed American, 0.0044%; no homozygotes.

Submission:

CeGaT Center for Human Genetics Tuebingen
Classification: Likely benign. Last evaluated: 2026-08-01. Review status: criteria provided, single submitter. Criteria: CeGaT Center For Human Genetics Tuebingen Variant Classification Criteria Version 2. Collection method: clinical testing. Allele origin: germline. Affected: yes. Observed: 2 variant alleles.
Comment: CIC: BP4, BP7